The following is an entry in ClinVar:

ClinVar aggregate classification (germline): Pathogenic (1 of 4 stars; one submission).

Conditions:
Hypertrophic cardiomyopathy 4. Also called: Familial hypertrophic cardiomyopathy 4. Identifiers: MedGen C1861862, MONDO:0007268, OMIM 115197.

Submission:

Molecular Genetics Laboratory, Motol Hospital
Classification: Pathogenic for Hypertrophic cardiomyopathy 4. Last evaluated: 2026-06-04. Review status: criteria provided, single submitter. Criteria: ACMG Guidelines, 2015. Collection method: clinical testing. Allele origin: germline. Affected: yes. Observed: 1 variant allele.
Comment: A rare variant not present in non-Finnish European population (PM2). Rare truncating variants in the MYBPC3 gene are associated with autosomal dominant familial hypertrophic cardiomyopathy (PVS1). The variant is classified as pathogenic.

Literature cited by the submitters: PubMed 30586709; PubMed 11499719.

NM_000256.3(MYBPC3):c.1078A>T (p.Lys360Ter)

Gene: MYBPC3 (myosin binding protein C3; minus strand). Cytogenetic location: 11p11.2.
Variant type: single nucleotide variant.
Coding change: c.1078A>T on transcript NM_000256.3 (MANE Select); coding-DNA position 1078, A replaced by T.
Protein change: p.Lys360Ter; replaces lysine 360 with a stop codon.
Molecular consequence: nonsense.
Genome position (GRCh38, 1-based): chr11:47,346,219, T>A on the plus strand (A>T on the coding strand, the complement: MYBPC3 is on the minus strand). VCF-style: chr11-47346219-T-A. GRCh37 (hg19) VCF-style: chr11-47367770-T-A.
Other names: short protein forms K360*.
Identifiers: ClinVar variation 4856617 (VCV004856617.1).
Genomic context (GRCh38, chr11:47,346,219, plus strand): 5'-GAAGGGCTAGCCTGTGCCCTCTCCTCTCCCCTCTGAGGAAGGGCTAACCTGTGCTCTTCT[T>A]CTCATCGCGCCTCATGCCCTTGAGCCTCTTTAGCATGCCGCGCAGGTCAGTGACGCCGTA-3'